The following is an entry in ClinVar:

NM_001291303.3(FAT4):c.12760A>G (p.Thr4254Ala)

Gene: FAT4 (FAT atypical cadherin 4; plus strand). Cytogenetic location: 4q28.1.
Variant type: single nucleotide variant.
Coding change: c.12760A>G on transcript NM_001291303.3 (MANE Select); coding-DNA position 12760, A replaced by G.
Protein change: p.Thr4254Ala; replaces threonine 4254 with alanine.
Molecular consequence: missense variant.
Genome position (GRCh38, 1-based): chr4:125,481,676, A>G. VCF-style: chr4-125481676-A-G. GRCh37 (hg19) VCF-style: chr4-126402831-A-G.
Other names: c.12760A>G, p.Thr4254Ala (NM_001291285.3); c.12754A>G, p.Thr4252Ala (NM_024582.6); short protein forms T4252A, T4254A.
Identifiers: ClinVar variation 3600498 (VCV003600498.1).

ClinVar aggregate classification (germline): Uncertain significance (1 of 4 stars; one submission).

Conditions:
Van Maldergem syndrome 2 (VMLDS2). Identifiers: Orphanet 314679, MedGen C3809875, MONDO:0014242, OMIM 615546.

Submission:

Clinical Genomics Laboratory, Washington University in St. Louis
Classification: Uncertain significance for Van Maldergem syndrome 2. Last evaluated: 2024-09-09. Review status: criteria provided, single submitter. Criteria: ACMG Guidelines, 2015. Collection method: clinical testing. Allele origin: germline.
Comment: A FAT4 c.12760A>G (p.Thr4254Ala) variant was identified at a near heterozygous allelic fraction of 47.3%, a frequency which may be consistent with germline origin. This variant, to our knowledge, has not been reported in the medical literature or in the ClinVar database. It is absent from the general population (gnomAD v.4.1.0), indicating it is not a common variant. Computational predictors indicate that the variant is damaging, evidence that correlates with impact to FAT4 function. Due to limited information, and based on the ACMG/AMP guidelines for variant interpretation (Richards S et al., PMID: 25741868), the FAT4 c.12760A>G (p.Thr4254Ala) variant is classified as a variant of uncertain significance at this time.